The following is an entry in ClinVar:

NM_000069.3(CACNA1S):c.1515T>C (p.Cys505=)

Gene: CACNA1S (calcium voltage-gated channel subunit alpha1 S; minus strand). Cytogenetic location: 1q32.1.
Variant type: single nucleotide variant.
Coding change: c.1515T>C on transcript NM_000069.3 (MANE Select); coding-DNA position 1515, T replaced by C.
Protein change: p.Cys505=; no amino-acid change (cysteine 505 retained).
Molecular consequence: synonymous variant.
Genome position (GRCh38, 1-based): chr1:201,077,983, A>G on the plus strand (T>C on the coding strand, the complement: CACNA1S is on the minus strand). VCF-style: chr1-201077983-A-G. GRCh37 (hg19) VCF-style: chr1-201047111-A-G.
Other names: p.Cys505=.
Identifiers: ClinVar variation 254797 (VCV000254797.28), dbSNP rs9427714, ClinGen allele CA078284.

ClinVar aggregate classification (germline): Benign. Review status: criteria provided, multiple submitters, no conflicts (2 of 4 stars). 13 submissions from 13 submitters: Benign (11). 2 of the submissions do not count toward it. Last evaluated 2026-02-04.

Conditions:
Hypokalemic periodic paralysis, type 1. Also called: Hypokalemic Periodic Paralysis Type 1 (AD); HypoPP. Identifiers: Orphanet 681, MedGen C3714580, MONDO:0042979, OMIM 170400.
Malignant hyperthermia, susceptibility to, 5 (MHS5). Also called: CACNA1S-Related Malignant Hyperthermia Susceptibility. Identifiers: Orphanet 423, MedGen C1866077, MONDO:0011163, OMIM 601887.

Allele frequency attached by ClinVar (database versions not stated): 1000 Genomes Project 0.12700; 1000 Genomes Project 30x 0.12976; TOPMed 0.23429; gnomAD 0.24001 and 0.24503; gnomAD exomes 0.24103 and 0.33305; ExAC 0.24490; ESP Exome Variant Server 0.27664.

Submissions (13):

Labcorp Genetics (formerly Invitae), Labcorp
Classification: Benign for Hypokalemic periodic paralysis, type 1; Malignant hyperthermia, susceptibility to, 5. Last evaluated: 2026-02-04. Review status: criteria provided, single submitter. Criteria: Invitae Variant Classification Sherloc (09022015). Collection method: clinical testing. Allele origin: germline.

Blueprint Genetics
Classification: Benign. Last evaluated: 2024-11-26. Review status: criteria provided, single submitter. Criteria: ACMG Guidelines, 2015. Collection method: clinical testing. Allele origin: germline.

All of Us Research Program, National Institutes of Health
Classification: Benign for Malignant hyperthermia, susceptibility to, 5. Last evaluated: 2024-02-05. Review status: criteria provided, single submitter. Criteria: ACMG Guidelines, 2015. Collection method: clinical testing. Allele origin: germline. Inheritance: Autosomal dominant inheritance. Observed: 55,070 variant alleles, 43,345 heterozygotes, 11,725 homozygotes.
Comment: This study involves interpretation of variants in research participants for the purpose of population health screening. Participant phenotype was not available at the time of variant classification. Additional details can be found in publication PMID: 35346344, PMCID: PMC8962531

Genome-Nilou Lab
Classification: Benign for Hypokalemic periodic paralysis, type 1. Last evaluated: 2021-07-14. Review status: criteria provided, single submitter. Criteria: ACMG Guidelines, 2015. Collection method: clinical testing. Allele origin: germline. Affected: no.

Athena Diagnostics
Classification: Benign. Last evaluated: 2021-06-22. Review status: criteria provided, single submitter. Criteria: Athena Diagnostics Criteria. Collection method: clinical testing. Allele origin: unknown.

Color Diagnostics, LLC DBA Color Health
Classification: Benign for Malignant hyperthermia, susceptibility to, 5. Last evaluated: 2019-03-28. Review status: criteria provided, single submitter. Criteria: ACMG Guidelines, 2015. Collection method: clinical testing. Allele origin: germline.

Illumina Laboratory Services, Illumina
Classification: Benign for Hypokalemic periodic paralysis, type 1. Last evaluated: 2018-01-13. Review status: criteria provided, single submitter. Criteria: ICSL Variant Classification Criteria 13 December 2019. Collection method: clinical testing. Allele origin: germline.
Comment: This variant was observed in the ICSL laboratory as part of a predisposition screen in an ostensibly healthy population. It had not been previously curated by ICSL or reported in the Human Gene Mutation Database (HGMD: prior to June 1st, 2018), and was therefore a candidate for classification through an automated scoring system. Utilizing variant allele frequency, disease prevalence and penetrance estimates, and inheritance mode, an automated score was calculated to assess if this variant is too frequent to cause the disease. Based on the score and internal cut-off values, a variant classified as benign is not then subjected to further curation. The score for this variant resulted in a classification of benign for this disease.

Mayo Clinic Laboratories, Mayo Clinic
Classification: Benign. Last evaluated: 2017-07-21. Review status: criteria provided, single submitter. Criteria: ACMG Guidelines, 2015. Collection method: clinical testing. Allele origin: germline. Observed: 295 variant alleles.

GeneDx
Classification: Benign. Last evaluated: 2016-01-24. Review status: criteria provided, single submitter. Criteria: GeneDx Variant Classification (06012015). Collection method: clinical testing. Allele origin: germline. Affected: yes.
Comment: This variant is considered likely benign or benign based on one or more of the following criteria: it is a conservative change, it occurs at a poorly conserved position in the protein, it is predicted to be benign by multiple in silico algorithms, and/or has population frequency not consistent with disease.

Breakthrough Genomics
Classification: Benign. Review status: criteria provided, single submitter. Criteria: ACMG Guidelines, 2015. Collection method: not provided. Allele origin: germline. Inheritance: Autosomal dominant inheritance. Affected: yes.

PreventionGenetics, part of Exact Sciences
Classification: Benign. Review status: criteria provided, single submitter. Criteria: ACMG Guidelines, 2015. Collection method: clinical testing. Allele origin: germline.

Diagnostic Laboratory, Department of Genetics, University Medical Center Groningen
Classification: Benign. Review status: no assertion criteria provided. Collection method: clinical testing. Allele origin: germline. Affected: yes. Study: VKGL Data-share Consensus. Not counted in ClinVar's aggregate classification.

Joint Genome Diagnostic Labs from Nijmegen and Maastricht, Radboudumc and MUMC+
Classification: Benign. Review status: no assertion criteria provided. Collection method: clinical testing. Allele origin: germline. Affected: yes. Study: VKGL Data-share Consensus. Not counted in ClinVar's aggregate classification.